The following is an entry in ClinVar:

ClinVar aggregate classification (germline): Likely benign. Review status: criteria provided, multiple submitters, no conflicts (2 of 4 stars). 2 submissions from 2 submitters: Likely benign (2). Last evaluated 2026-02-01.

Allele frequency attached by ClinVar (database versions not stated): gnomAD exomes 0.00004; ExAC 0.00007; gnomAD 0.00007; ESP Exome Variant Server 0.00008; TOPMed 0.00012; 1000 Genomes Project 30x 0.00016; 1000 Genomes Project 0.00020.
gnomAD v4.1: 71 of 1,610,700 alleles (0.0044%); highest among the groups gnomAD compares: Admixed American, 0.018%; no homozygotes.

Submissions (2):

CeGaT Center for Human Genetics Tuebingen
Classification: Likely benign. Last evaluated: 2026-02-01. Review status: criteria provided, single submitter. Criteria: CeGaT Center For Human Genetics Tuebingen Variant Classification Criteria Version 2. Collection method: clinical testing. Allele origin: germline. Affected: yes. Observed: 1 variant allele.
Comment: PITRM1: BP4, BP7

Labcorp Genetics (formerly Invitae), Labcorp
Classification: Likely benign. Last evaluated: 2024-03-25. Review status: criteria provided, single submitter. Criteria: Invitae Variant Classification Sherloc (09022015). Collection method: clinical testing. Allele origin: germline.

NM_014889.4(PITRM1):c.3063C>T (p.Leu1021=)

Gene: PITRM1 (pitrilysin metallopeptidase 1; minus strand). Cytogenetic location: 10p15.2.
Variant type: single nucleotide variant.
Coding change: c.3063C>T on transcript NM_014889.4 (MANE Select); coding-DNA position 3063, C replaced by T.
Protein change: p.Leu1021=; no amino-acid change (leucine 1021 retained).
Molecular consequence: synonymous variant. On other transcripts: non-coding transcript variant (4).
Genome position (GRCh38, 1-based): chr10:3,138,082, G>A on the plus strand (C>T on the coding strand, the complement: PITRM1 is on the minus strand). VCF-style: chr10-3138082-G-A. GRCh37 (hg19) VCF-style: chr10-3180274-G-A.
Other names: c.3066C>T, p.Leu1022= (NM_001242307.2); c.2769C>T, p.Leu923= (NM_001242309.1); c.2865C>T, p.Leu955= (NM_001347725.2); c.2250C>T, p.Leu750= (NM_001347726.2); c.2448C>T, p.Leu816= (NM_001347727.2); c.1758C>T, p.Leu586= (NM_001347728.2); c.3039C>T, p.Leu1013= (NM_001347729.1); c.2841C>T, p.Leu947= (NM_001347730.1).
Identifiers: ClinVar variation 2722184 (VCV002722184.7), dbSNP rs144433899, ClinGen allele CA5387017.